The following is an entry in ClinVar:

ClinVar aggregate classification (germline): Uncertain significance. Review status: criteria provided, multiple submitters, no conflicts (2 of 4 stars). 3 submissions from 3 submitters: Uncertain significance (3). Last evaluated 2024-11-14.

Conditions:
ABCA4-related retinopathy. Also called: ABCA4-related retinoapthy; ABCA4 retinoapthy. Identifiers: MedGen CN322612, MONDO:0800406.

Allele frequency attached by ClinVar (database versions not stated): gnomAD exomes below 0.00001 and 0.00001; gnomAD 0.00001; TOPMed 0.00001; ExAC 0.00003; ESP Exome Variant Server 0.00008.

Submissions (3):

Blueprint Genetics
Classification: Uncertain significance. Last evaluated: 2024-11-14. Review status: criteria provided, single submitter. Criteria: ACMG Guidelines, 2015. Collection method: clinical testing. Allele origin: germline.

Department of Pathology and Laboratory Medicine, Sinai Health System
Classification: Uncertain significance for ABCA4-related retinopathy. Last evaluated: 2021-12-13. Review status: criteria provided, single submitter. Criteria: ACMG Guidelines, 2015. Collection method: research. Allele origin: germline.

Labcorp Genetics (formerly Invitae), Labcorp
Classification: Uncertain significance. Last evaluated: 2021-08-26. Review status: criteria provided, single submitter. Criteria: Invitae Variant Classification Sherloc (09022015). Collection method: clinical testing. Allele origin: germline.
Comment: This sequence change replaces lysine with glutamic acid at codon 672 of the ABCA4 protein (p.Lys672Glu). The lysine residue is highly conserved and there is a small physicochemical difference between lysine and glutamic acid. This variant is present in population databases (rs377508857, ExAC 0.005%). This variant has not been reported in the literature in individuals affected with ABCA4-related conditions. Advanced modeling of protein sequence and biophysical properties (such as structural, functional, and spatial information, amino acid conservation, physicochemical variation, residue mobility, and thermodynamic stability) performed at Invitae indicates that this missense variant is expected to disrupt ABCA4 protein function. In summary, the available evidence is currently insufficient to determine the role of this variant in disease. Therefore, it has been classified as a Variant of Uncertain Significance.

NM_000350.3(ABCA4):c.2014A>G (p.Lys672Glu)

Gene: ABCA4 (ATP binding cassette subfamily A member 4; minus strand). Cytogenetic location: 1p22.1.
Variant type: single nucleotide variant.
Coding change: c.2014A>G on transcript NM_000350.3 (MANE Select); coding-DNA position 2014, A replaced by G.
Protein change: p.Lys672Glu; replaces lysine 672 with glutamic acid.
Molecular consequence: missense variant.
Genome position (GRCh38, 1-based): chr1:94,060,683, T>C on the plus strand (A>G on the coding strand, the complement: ABCA4 is on the minus strand). VCF-style: chr1-94060683-T-C. GRCh37 (hg19) VCF-style: chr1-94526239-T-C.
Other names: c.2014A>G, p.Lys672Glu (NM_001425324.1); short protein forms K672E.
Identifiers: ClinVar variation 1473544 (VCV001473544.7), dbSNP rs377508857, ClinGen allele CA958367.